The following is an entry in ClinVar:

ClinVar aggregate classification (germline): Pathogenic (1 of 4 stars; one submission).

Conditions:
Baller-Gerold syndrome (BGS). Also called: CRANIOSYNOSTOSIS WITH RADIAL DEFECTS. Identifiers: Orphanet 1225, MedGen C0265308, MONDO:0009039, OMIM 218600.

Submission:

Labcorp Genetics (formerly Invitae), Labcorp
Classification: Pathogenic for Baller-Gerold syndrome. Last evaluated: 2022-09-22. Review status: criteria provided, single submitter. Criteria: Invitae Variant Classification Sherloc (09022015). Collection method: clinical testing. Allele origin: germline.
Comment: This sequence change creates a premature translational stop signal (p.Leu1104Glnfs*13) in the RECQL4 gene. It is expected to result in an absent or disrupted protein product. Loss-of-function variants in RECQL4 are known to be pathogenic (PMID: 12734318, 12952869). This variant is not present in population databases (gnomAD no frequency). This variant has not been reported in the literature in individuals affected with RECQL4-related conditions. For these reasons, this variant has been classified as Pathogenic.

Literature cited by the submitters: PubMed 12734318; PubMed 12952869.

NM_004260.4(RECQL4):c.3289_3310dup (p.Leu1104fs)

Gene: RECQL4 (RecQ like helicase 4; minus strand). Cytogenetic location: 8q24.3.
Variant type: Duplication.
Coding change: c.3289_3310dup on transcript NM_004260.4 (MANE Select); coding-DNA positions 3289 to 3310, 22 bases duplicated (AGCACCAGGCTCAAGGACCTGC).
Protein change: p.Leu1104fs; shifts the reading frame from leucine 1104.
Molecular consequence: frameshift variant.
Genome position (GRCh38, 1-based): chr8:144,511,994-144,512,015, GCAGGTCCTTGAGCCTGGTGCT duplicated on the plus strand (AGCACCAGGCTCAAGGACCTGC on the coding strand, the reverse complement: RECQL4 is on the minus strand); duplicating any 22 consecutive bases within chr8:144,511,994-144,512,017 gives the same sequence; the c. name uses the placement nearest the transcript's 3' end. VCF-style (leftmost placement, unchanged base first): chr8-144511993-A-AGCAGGTCCTTGAGCCTGGTGCT. GRCh37 (hg19) VCF-style: chr8-145737376-A-AGCAGGTCCTTGAGCCTGGTGCT.
Other names: c.2993_3014dup, p.Leu1006Glnfs (NM_001413017.1); c.3089_3110dup, p.Leu1038Glnfs (NM_001413018.1); c.3362_3383dup, p.Leu1129Glnfs (NM_001413019.1); c.3191_3212dup, p.Leu1072Glnfs (NM_001413020.1); c.2216_2237dup, p.Leu747Glnfs (NM_001413021.1, NM_001413022.1, NM_001413024.1 and 4 more transcripts); c.2291_2312dup, p.Leu772Glnfs (NM_001413023.1); c.3158_3179dup, p.Leu1061Glnfs (NM_001413025.1); c.2150_2171dup, p.Leu725Glnfs (NM_001413027.1, NM_001413030.1, NM_001413032.1); and 9 more; short protein forms L1104fs.
Identifiers: ClinVar variation 2031911 (VCV002031911.4), dbSNP rs2537972624, ClinGen allele CA2580078782.
Genomic context (GRCh38, chr8:144,511,993, plus strand): 5'-CCCTGTGCGTCCTCCATGCCTCCCGGCTCCTGCCCTTCCTCTTCCTCAAAGTAGCGGCCG[A>AGCAGGTCCTTGAGCCTGGTGCT]GCAGGTCCTTGAGCCTGGTGCTGCGCTCCTCATCCTGCTGCTCCAGGCAGGGCCCGCAGC-3'